The following is an entry in ClinVar:

NM_002633.3(PGM1):c.741G>A (p.Ser247=)

Gene: PGM1 (phosphoglucomutase 1; plus strand). Cytogenetic location: 1p31.3.
Variant type: single nucleotide variant.
Coding change: c.741G>A on transcript NM_002633.3 (MANE Select); coding-DNA position 741, G replaced by A.
Protein change: p.Ser247=; no amino-acid change (serine 247 retained).
Molecular consequence: synonymous variant.
Genome position (GRCh38, 1-based): chr1:63,634,887, G>A. VCF-style: chr1-63634887-G-A. GRCh37 (hg19) VCF-style: chr1-64100558-G-A.
Other names: c.795G>A, p.Ser265= (NM_001172818.1); c.150G>A, p.Ser50= (NM_001172819.2).
Identifiers: ClinVar variation 506839 (VCV000506839.15), dbSNP rs142222746, ClinGen allele CA889623.

ClinVar aggregate classification (germline): Conflicting classifications of pathogenicity. Review status: criteria provided, conflicting classifications (1 of 4 stars). 5 submissions from 5 submitters: Uncertain significance (1); Likely benign (3). 1 of the submissions does not count toward it. Last evaluated 2025-11-15.

Conditions:
PGM1-related disorder. Also called: PGM1-related condition; PGM1-related disorders.
PGM1-congenital disorder of glycosylation. Also called: CDG It; PGM1 DEFICIENCY; GLYCOGEN STORAGE DISEASE XIV; GSD XIV; PHOSPHOGLUCOMUTASE 1 DEFICIENCY; Congenital disorder of glycosylation type 1t. Identifiers: Orphanet 319646, MedGen C2752015, MONDO:0013968, OMIM 614921.

Allele frequency attached by ClinVar (database versions not stated): ESP Exome Variant Server 0.00008; TOPMed 0.00008.
gnomAD v4.1: 222 of 1,579,632 alleles (0.014%); highest among the groups gnomAD compares: Admixed American, 0.047%; no homozygotes.

Submissions (5):

Labcorp Genetics (formerly Invitae), Labcorp
Classification: Likely benign for PGM1-congenital disorder of glycosylation. Last evaluated: 2025-11-15. Review status: criteria provided, single submitter. Criteria: Invitae Variant Classification Sherloc (09022015). Collection method: clinical testing. Allele origin: germline.

Genetic Services Laboratory, University of Chicago
Classification: Likely benign. Last evaluated: 2019-07-22. Review status: criteria provided, single submitter. Criteria: ACMG Guidelines, 2015. Collection method: clinical testing. Allele origin: germline. Affected: no.

Illumina Laboratory Services, Illumina
Classification: Uncertain significance for PGM1-congenital disorder of glycosylation. Last evaluated: 2018-01-13. Review status: criteria provided, single submitter. Criteria: ICSL Variant Classification Criteria 13 December 2019. Collection method: clinical testing. Allele origin: germline.

GeneDx
Classification: Likely benign. Last evaluated: 2017-01-20. Review status: criteria provided, single submitter. Criteria: GeneDx Variant Classification (06012015). Collection method: clinical testing. Allele origin: germline. Affected: yes.
Comment: This variant is considered likely benign or benign based on one or more of the following criteria: it is a conservative change, it occurs at a poorly conserved position in the protein, it is predicted to be benign by multiple in silico algorithms, and/or has population frequency not consistent with disease.

PreventionGenetics, part of Exact Sciences
Classification: Likely benign for PGM1-related condition. Last evaluated: 2022-02-19. Review status: no assertion criteria provided. Collection method: clinical testing. Allele origin: germline. Not counted in ClinVar's aggregate classification.
Comment: This variant is classified as likely benign based on ACMG/AMP sequence variant interpretation guidelines (Richards et al. 2015 PMID: 25741868, with internal and published modifications).